The following is an entry in ClinVar:

ClinVar aggregate classification (germline): Uncertain significance (1 of 4 stars; one submission).

Allele frequency attached by ClinVar (database versions not stated): gnomAD exomes below 0.00001.
gnomAD v4.1: 1 of 1,614,118 alleles (0.000062%); highest among the groups gnomAD compares: Non-Finnish European, 0.000085%; no homozygotes.

Submission:

Labcorp Genetics (formerly Invitae), Labcorp
Classification: Uncertain significance. Last evaluated: 2024-10-22. Review status: criteria provided, single submitter. Criteria: Invitae Variant Classification Sherloc (09022015). Collection method: clinical testing. Allele origin: germline.
Comment: This sequence change replaces leucine, which is neutral and non-polar, with phenylalanine, which is neutral and non-polar, at codon 593 of the TRAPPC9 protein (p.Leu593Phe). This variant is not present in population databases (gnomAD no frequency). This variant has not been reported in the literature in individuals affected with TRAPPC9-related conditions. ClinVar contains an entry for this variant (Variation ID: 1717607). An algorithm developed to predict the effect of missense changes on protein structure and function (PolyPhen-2) suggests that this variant is likely to be disruptive. In summary, the available evidence is currently insufficient to determine the role of this variant in disease. Therefore, it has been classified as a Variant of Uncertain Significance.

NM_001160372.4(TRAPPC9):c.1485G>T (p.Leu495Phe)

Gene: TRAPPC9 (trafficking protein particle complex subunit 9; minus strand). Cytogenetic location: 8q24.3.
Variant type: single nucleotide variant.
Coding change: c.1485G>T on transcript NM_001160372.4 (MANE Select); coding-DNA position 1485, G replaced by T.
Protein change: p.Leu495Phe; replaces leucine 495 with phenylalanine.
Molecular consequence: missense variant. On other transcripts: non-coding transcript variant (1), intron variant (1).
Genome position (GRCh38, 1-based): chr8:140,360,060, C>A on the plus strand (G>T on the coding strand, the complement: TRAPPC9 is on the minus strand). VCF-style: chr8-140360060-C-A. GRCh37 (hg19) VCF-style: chr8-141370159-C-A.
Other names: c.1458G>T, p.Leu486Phe (NM_001321646.2); c.1506G>T, p.Leu502Phe (NM_001374682.1); c.1485G>T, p.Leu495Phe (NM_001374683.1, NM_031466.8); c.1351+10904G>T (NM_001374684.1); short protein forms L486F, L495F, L502F.
Identifiers: ClinVar variation 1717607 (VCV001717607.5), dbSNP rs2540024613, ClinGen allele CA372316384.